The following is an entry in ClinVar:

ClinVar aggregate classification (germline): Uncertain significance (1 of 4 stars; one submission).

Conditions:
Inborn genetic diseases. Identifiers: MedGen C0950123, MeSH D030342.

Submission:

Ambry Genetics
Classification: Uncertain significance for Inborn genetic diseases. Last evaluated: 2024-12-08. Review status: criteria provided, single submitter. Criteria: Ambry Variant Classification Scheme 2023. Collection method: clinical testing. Allele origin: germline.
Comment: The p.Y1377C variant (also known as c.4130A>G), located in coding exon 29 of the ANKRD26 gene, results from an A to G substitution at nucleotide position 4130. The tyrosine at codon 1377 is replaced by cysteine, an amino acid with highly dissimilar properties. This amino acid position is conserved. In addition, this alteration is predicted to be tolerated by in silico analysis. Based on the available evidence, the clinical significance of this variant remains unclear.

NM_014915.3(ANKRD26):c.4130A>G (p.Tyr1377Cys)

Gene: ANKRD26 (ankyrin repeat domain containing 26; minus strand). Cytogenetic location: 10p12.1.
Variant type: single nucleotide variant.
Coding change: c.4130A>G on transcript NM_014915.3 (MANE Select); coding-DNA position 4130, A replaced by G.
Protein change: p.Tyr1377Cys; replaces tyrosine 1377 with cysteine.
Molecular consequence: missense variant.
Genome position (GRCh38, 1-based): chr10:27,022,643, T>C on the plus strand (A>G on the coding strand, the complement: ANKRD26 is on the minus strand). VCF-style: chr10-27022643-T-C. GRCh37 (hg19) VCF-style: chr10-27311572-T-C.
Other names: c.4127A>G, p.Tyr1376Cys (NM_001256053.2); short protein forms Y1376C, Y1377C.
Identifiers: ClinVar variation 3397312 (VCV003397312.1).